The following is an entry in ClinVar:

ClinVar aggregate classification (germline): Uncertain significance (1 of 4 stars; one submission).

gnomAD v4.1: 1 of 1,614,114 alleles (0.000062%); highest among the groups gnomAD compares: South Asian, 0.0011%; no homozygotes.

Submission:

Labcorp Genetics (formerly Invitae), Labcorp
Classification: Uncertain significance. Last evaluated: 2025-02-16. Review status: criteria provided, single submitter. Criteria: Invitae Variant Classification Sherloc (09022015). Collection method: clinical testing. Allele origin: germline.
Comment: This sequence change replaces aspartic acid, which is acidic and polar, with alanine, which is neutral and non-polar, at codon 132 of the NDUFAF1 protein (p.Asp132Ala). This variant is present in population databases (rs752477209, gnomAD 0.003%). This variant has not been reported in the literature in individuals affected with NDUFAF1-related conditions. Invitae Evidence Modeling of protein sequence and biophysical properties (such as structural, functional, and spatial information, amino acid conservation, physicochemical variation, residue mobility, and thermodynamic stability) indicates that this missense variant is not expected to disrupt NDUFAF1 protein function with a negative predictive value of 80%. In summary, the available evidence is currently insufficient to determine the role of this variant in disease. Therefore, it has been classified as a Variant of Uncertain Significance.

NM_016013.4(NDUFAF1):c.395A>C (p.Asp132Ala)

Gene: NDUFAF1 (NADH:ubiquinone oxidoreductase complex assembly factor 1; minus strand). Cytogenetic location: 15q15.1.
Variant type: single nucleotide variant.
Coding change: c.395A>C on transcript NM_016013.4 (MANE Select); coding-DNA position 395, A replaced by C.
Protein change: p.Asp132Ala; replaces aspartic acid 132 with alanine.
Molecular consequence: missense variant. On other transcripts: non-coding transcript variant (3).
Genome position (GRCh38, 1-based): chr15:41,396,665, T>G on the plus strand (A>C on the coding strand, the complement: NDUFAF1 is on the minus strand). VCF-style: chr15-41396665-T-G. GRCh37 (hg19) VCF-style: chr15-41688863-T-G.
Other names: c.395A>C, p.Asp132Ala (NM_001437486.1, NM_001437487.1, NM_001437488.1 and 2 more transcripts); short protein forms D132A.
Identifiers: ClinVar variation 4743975 (VCV004743975.1).